The following is an entry in ClinVar:

ClinVar aggregate classification (germline): Uncertain significance. Review status: criteria provided, multiple submitters, no conflicts (2 of 4 stars). 2 submissions from 2 submitters: Uncertain significance (2). Last evaluated 2024-11-05.

Conditions:
Intellectual developmental disorder, autosomal recessive 65. Also called: Intellectual disability, autosomal recessive 65; MENTAL RETARDATION, AUTOSOMAL RECESSIVE 65. Identifiers: MedGen C4748219, MONDO:0020850, OMIM 618109.

Allele frequency attached by ClinVar (database versions not stated): TOPMed 0.00012; gnomAD exomes 0.00013 and 0.00018; gnomAD 0.00022 and 0.00021; ESP Exome Variant Server 0.00015; ExAC 0.00019.
gnomAD v4.1: 217 of 1,613,856 alleles (0.013%); highest among the groups gnomAD compares: Middle Eastern, 0.016%; 1 homozygote.

Submissions (2):

GeneDx
Classification: Uncertain significance. Last evaluated: 2024-11-05. Review status: criteria provided, single submitter. Criteria: GeneDx Variant Classification Process June 2021. Collection method: clinical testing. Allele origin: germline. Affected: yes.
Comment: In silico analysis, which includes protein predictors and evolutionary conservation, supports a deleterious effect; Has not been previously published as pathogenic or benign to our knowledge

Department of Human Genetics, Hannover Medical School
Classification: Uncertain significance for Intellectual developmental disorder, autosomal recessive 65. Last evaluated: 2024-10-25. Review status: criteria provided, single submitter. Criteria: ACMG Guidelines, 2015. Collection method: clinical testing. Allele origin: germline. Affected: yes.

NM_006618.5(KDM5B):c.4108T>G (p.Leu1370Val)

Gene: KDM5B (lysine demethylase 5B; minus strand). Cytogenetic location: 1q32.1.
Variant type: single nucleotide variant.
Coding change: c.4108T>G on transcript NM_006618.5 (MANE Select); coding-DNA position 4108, T replaced by G.
Protein change: p.Leu1370Val; replaces leucine 1370 with valine.
Molecular consequence: missense variant.
Genome position (GRCh38, 1-based): chr1:202,730,977, A>C on the plus strand (T>G on the coding strand, the complement: KDM5B is on the minus strand). VCF-style: chr1-202730977-A-C. GRCh37 (hg19) VCF-style: chr1-202700105-A-C.
Other names: c.4216T>G, p.Leu1406Val (NM_001314042.2); c.3973T>G, p.Leu1325Val (NM_001347591.2); c.4093T>G, p.Leu1365Val (NM_001399817.1); short protein forms L1325V, L1370V, L1406V, L1365V.
Identifiers: ClinVar variation 1306424 (VCV001306424.5), dbSNP rs200000027, ClinGen allele CA1334034.